The following is an entry in ClinVar:

ClinVar aggregate classification (germline): Uncertain significance (1 of 4 stars; one submission).

Submission:

GeneDx
Classification: Uncertain significance. Last evaluated: 2026-03-16. Review status: criteria provided, single submitter. Criteria: GeneDx Variant Classification Process June 2021. Collection method: clinical testing. Allele origin: germline.
Comment: Not observed at significant frequency in large population cohorts (gnomAD); In silico analysis suggests that this missense variant does not alter protein structure/function; Has not been previously published as pathogenic or benign to our knowledge

NM_052867.4(NALCN):c.3919A>G (p.Ile1307Val)

Gene: NALCN (sodium leak channel, non-selective; minus strand). Cytogenetic location: 13q32.3.
Variant type: single nucleotide variant.
Coding change: c.3919A>G on transcript NM_052867.4 (MANE Select); coding-DNA position 3919, A replaced by G.
Protein change: p.Ile1307Val; replaces isoleucine 1307 with valine.
Molecular consequence: missense variant.
Genome position (GRCh38, 1-based): chr13:101,075,908, T>C on the plus strand (A>G on the coding strand, the complement: NALCN is on the minus strand). VCF-style: chr13-101075908-T-C. GRCh37 (hg19) VCF-style: chr13-101728259-T-C.
Other names: c.4006A>G, p.Ile1336Val (NM_001350748.2); c.3919A>G, p.Ile1307Val (NM_001350749.2); c.3832A>G, p.Ile1278Val (NM_001350750.2, NM_001350751.2); short protein forms I1278V, I1307V, I1336V.
Identifiers: ClinVar variation 5009258 (VCV005009258.1).
Genomic context (GRCh38, chr13:101,075,908, plus strand): 5'-ATAAGATTCTTAACAATGTACTTACATGTTTTCCACAGATGGAGAAAAACCTAAATACAA[T>C]CACACAAGCGCCCATCATGTAAGTATATGCATTCTGAAATTTAAACAGAAGACAGCTTCT-3'
Protein context (NP_443099.1, residues 1297-1317): AYTYMMGACV[Ile1307Val]VFRFFSICGK